The following is an entry in ClinVar:

NM_014363.6(SACS):c.8579A>G (p.Asn2860Ser)

Gene: SACS (sacsin molecular chaperone; minus strand). Cytogenetic location: 13q12.12.
Variant type: single nucleotide variant.
Coding change: c.8579A>G on transcript NM_014363.6 (MANE Select); coding-DNA position 8579, A replaced by G.
Protein change: p.Asn2860Ser; replaces asparagine 2860 with serine.
Molecular consequence: missense variant.
Genome position (GRCh38, 1-based): chr13:23,335,297, T>C on the plus strand (A>G on the coding strand, the complement: SACS is on the minus strand). VCF-style: chr13-23335297-T-C. GRCh37 (hg19) VCF-style: chr13-23909436-T-C.
Other names: c.8138A>G, p.Asn2713Ser (NM_001278055.2); c.8579A>G (NM_014363.5); short protein forms N2860S, N2713S.
Identifiers: ClinVar variation 522555 (VCV000522555.18), dbSNP rs201294520, ClinGen allele CA6910745.

ClinVar aggregate classification (germline): Conflicting classifications of pathogenicity. Review status: criteria provided, conflicting classifications (1 of 4 stars). 6 submissions from 6 submitters: Uncertain significance (4); Likely benign (2). Last evaluated 2026-05-06.

Conditions:
Charlevoix-Saguenay spastic ataxia (SACS). Also called: SPASTIC ATAXIA 6, AUTOSOMAL RECESSIVE; AUTOSOMAL RECESSIVE SPASTIC ATAXIA OF CHARLEVOIX-SAGUENAY; Spastic ataxia of Charlevoix-Saguenay. Identifiers: Orphanet 98, MedGen C1849140, MONDO:0010041, OMIM 270550.
SACS-related disorder. Also called: SACS-related condition.
Hereditary spastic paraplegia. Also called: Familial spastic paraparesis. Identifiers: Orphanet 685, MedGen C0037773, MONDO:0019064. Disease mechanism: loss of function.
Spastic paraplegia. Identifiers: MedGen C0037772, HP:0001258.

Allele frequency attached by ClinVar (database versions not stated): gnomAD 0.00008 and 0.00006; ExAC 0.00011; gnomAD exomes 0.00011 and 0.00004; TOPMed 0.00011; 1000 Genomes Project 0.00060; 1000 Genomes Project 30x 0.00062.
gnomAD v4.1: 66 of 1,613,956 alleles (0.0041%); highest among the groups gnomAD compares: East Asian, 0.12%; no homozygotes.

Submissions (6):

PreventionGenetics, part of Exact Sciences
Classification: Likely benign for SACS-related condition. Last evaluated: 2026-05-06. Review status: criteria provided, single submitter. Criteria: ACMG Guidelines, 2015. Collection method: clinical testing. Allele origin: germline.
Comment: This variant is classified as likely benign based on ACMG/AMP sequence variant interpretation guidelines (Richards et al. 2015 PMID: 25741868, with internal and published modifications).

Labcorp Genetics (formerly Invitae), Labcorp
Classification: Likely benign for Spastic paraplegia. Last evaluated: 2024-10-17. Review status: criteria provided, single submitter. Criteria: Invitae Variant Classification Sherloc (09022015). Collection method: clinical testing. Allele origin: germline.

Blueprint Genetics
Classification: Uncertain significance. Last evaluated: 2024-08-08. Review status: criteria provided, single submitter. Criteria: ACMG Guidelines, 2015. Collection method: clinical testing. Allele origin: germline.

Genome-Nilou Lab
Classification: Uncertain significance for Charlevoix-Saguenay spastic ataxia. Last evaluated: 2021-09-05. Review status: criteria provided, single submitter. Criteria: ACMG Guidelines, 2015. Collection method: clinical testing. Allele origin: germline. Affected: no.

Shenzhen Institute of Pediatrics, Shenzhen Children's Hospital
Classification: Uncertain significance for Charlevoix-Saguenay spastic ataxia. Last evaluated: 2017-06-24. Review status: criteria provided, single submitter. Criteria: ACMG Guidelines, 2015. Collection method: clinical testing. Allele origin: unknown. Inheritance: Autosomal recessive inheritance. Affected: yes. Observed: 1 variant allele, 1 compound heterozygote.

Genome Diagnostics Laboratory, The Hospital for Sick Children
Classification: Uncertain significance for Hereditary spastic paraplegia. Last evaluated: 2017-05-09. Review status: criteria provided, single submitter. Criteria: ACMG Guidelines, 2015. Collection method: clinical testing. Allele origin: germline. Affected: yes.